The following is an entry in ClinVar:

ClinVar aggregate classification (germline): Pathogenic (1 of 4 stars; one submission).

Conditions:
Severe combined immunodeficiency due to CORO1A deficiency. Also called: Immunodeficiency 8; IMMUNODEFICIENCY 8 WITH LYMPHOPROLIFERATION. Identifiers: Orphanet 228003, MedGen C3809383, MONDO:0014168, OMIM 615401.

Submission:

Labcorp Genetics (formerly Invitae), Labcorp
Classification: Pathogenic for Severe combined immunodeficiency due to CORO1A deficiency. Last evaluated: 2019-02-28. Review status: criteria provided, single submitter. Criteria: Invitae Variant Classification Sherloc (09022015). Collection method: clinical testing. Allele origin: germline.
Comment: A gross deletion of the genomic region encompassing the full coding sequence of the CORO1A gene has been identified. The boundaries of this event are unknown as the deletion extends beyond the assayed region for this gene and therefore may encompass additional genes. This variant has been observed on the opposite chromosome (in trans) from a pathogenic variant in an individual affected with severe combined immunodeficiency (SCID) (PMID: 18836449). This finding is consistent with autosomal recessive inheritance, and suggests that this variant contributes to disease. Loss-of-function variants in CORO1A are known to be pathogenic (PMID: 18836449, 25073507). For these reasons, this variant has been classified as Pathogenic.

Literature cited by the submitters: PubMed 18836449; PubMed 25073507.

NC_000016.9:g.(?_30196531)_30199897del

Gene: CORO1A (coronin 1A; plus strand).
Variant type: Deletion.
Identifiers: ClinVar variation 1074667 (VCV001074667.2).